The following is an entry in ClinVar:

NM_080680.3(COL11A2):c.3134G>A (p.Gly1045Glu)

Gene: COL11A2 (collagen type XI alpha 2 chain; minus strand). Cytogenetic location: 6p21.32.
Variant type: single nucleotide variant.
Coding change: c.3134G>A on transcript NM_080680.3 (MANE Select); coding-DNA position 3134, G replaced by A.
Protein change: p.Gly1045Glu; replaces glycine 1045 with glutamic acid.
Molecular consequence: missense variant.
Genome position (GRCh38, 1-based): chr6:33,171,729, C>T on the plus strand (G>A on the coding strand, the complement: COL11A2 is on the minus strand). VCF-style: chr6-33171729-C-T. GRCh37 (hg19) VCF-style: chr6-33139506-C-T.
Other names: c.2813G>A, p.Gly938Glu (NM_080679.3); c.2876G>A, p.Gly959Glu (NM_080681.3); short protein forms G1045E, G938E, G959E.
Identifiers: ClinVar variation 1254701 (VCV001254701.8), dbSNP rs1337293103, ClinGen allele CA363636400.
Genomic context (GRCh38, chr6:33,171,729, plus strand): 5'-ACAGACCCCTCCCCAGTACCCCTCCCCAATACCCCCACACTCACTGGGACACCTTTCTCT[C>T]CTGCTGCTCCAGGGGGACCCTGCGGGCCTGGGCGCCCTGGCGGACCAATGGGTCCCCCTG-3'
Protein context (NP_542411.2, residues 1035-1055): PGPQGPPGAA[Gly1045Glu]EKGVPGEKGP

ClinVar aggregate classification (germline): Uncertain significance. Review status: criteria provided, multiple submitters, no conflicts (2 of 4 stars). 2 submissions from 2 submitters: Uncertain significance (2). Last evaluated 2025-09-04.

Allele frequency attached by ClinVar (database versions not stated): gnomAD exomes below 0.00001; TOPMed below 0.00001; gnomAD 0.00001.
gnomAD v4.1: 15 of 1,612,816 alleles (0.00093%); highest among the groups gnomAD compares: Admixed American, 0.0017%; no homozygotes.

Submissions (2):

Labcorp Genetics (formerly Invitae), Labcorp
Classification: Uncertain significance. Last evaluated: 2025-09-04. Review status: criteria provided, single submitter. Criteria: Invitae Variant Classification Sherloc (09022015). Collection method: clinical testing. Allele origin: germline.
Comment: This sequence change replaces glycine, which is neutral and non-polar, with glutamic acid, which is acidic and polar, at codon 1045 of the COL11A2 protein (p.Gly1045Glu). This variant is present in population databases (no rsID available, gnomAD 0.0009%). This variant has not been reported in the literature in individuals affected with COL11A2-related conditions. ClinVar contains an entry for this variant (Variation ID: 1254701). Invitae Evidence Modeling of protein sequence and biophysical properties (such as structural, functional, and spatial information, amino acid conservation, physicochemical variation, residue mobility, and thermodynamic stability) indicates that this missense variant is expected to disrupt COL11A2 protein function with a positive predictive value of 95%. In summary, the available evidence is currently insufficient to determine the role of this variant in disease. Therefore, it has been classified as a Variant of Uncertain Significance.

GeneDx
Classification: Uncertain significance. Last evaluated: 2021-08-12. Review status: criteria provided, single submitter. Criteria: GeneDx Variant Classification Process June 2021. Collection method: clinical testing. Allele origin: germline. Affected: yes.
Comment: Has not been previously published as pathogenic or benign to our knowledge; Not observed at significant frequency in large population cohorts (Lek et al., 2016); In silico analysis supports that this missense variant has a deleterious effect on protein structure/function; Affects a Glycine residue in a Gly-X-Y motif in the triple helical region of the COL11A2 gene; however, relatively few pathogenic glycine substitutions have been reported in association with COL11A2-related disorders and the genotype-phenotype correlation for this type of variant in COL11A2 is not well established (Stenson et al., 2014)